The following is an entry in ClinVar:

NM_001754.5(RUNX1):c.497G>T (p.Arg166Leu)

Genes: RUNX1 (RUNX family transcription factor 1; minus strand), RUNX1-AS1 (RUNX1 antisense RNA 1; plus strand). Cytogenetic location: 21q22.12.
Variant type: single nucleotide variant.
Coding change: c.497G>T on transcript NM_001754.5 (MANE Select); coding-DNA position 497, G replaced by T.
Protein change: p.Arg166Leu; replaces arginine 166 with leucine.
Molecular consequence: missense variant.
Genome position (GRCh38, 1-based): chr21:34,880,568, C>A on the plus strand (G>T on the coding strand, the complement: RUNX1 is on the minus strand). VCF-style: chr21-34880568-C-A. GRCh37 (hg19) VCF-style: chr21-36252865-C-A.
Other names: c.416G>T, p.Arg139Leu (NM_001001890.3, NM_001122607.2); short protein forms R139L, R166L.
Identifiers: ClinVar variation 3948883 (VCV003948883.2).

ClinVar aggregate classification (germline): Likely pathogenic. Review status: criteria provided, multiple submitters, no conflicts (2 of 4 stars). 2 submissions from 2 submitters: Likely pathogenic (2). Last evaluated 2025-06-11.

Conditions:
RUNX1-related disorder. Also called: RUNX1-related condition.
Inborn genetic diseases. Identifiers: MedGen C0950123, MeSH D030342.

Submissions (2):

Ambry Genetics
Classification: Likely pathogenic for Inborn genetic diseases. Last evaluated: 2025-06-11. Review status: criteria provided, single submitter. Criteria: Ambry Variant Classification Scheme 2023. Collection method: clinical testing. Allele origin: germline.
Comment: The p.R166L variant (also known as c.497G>T), located in coding exon 4 of the RUNX1 gene, results from a G to T substitution at nucleotide position 497. The arginine at codon 166 is replaced by leucine, an amino acid with dissimilar properties. Other variant(s) at the same codon, p.R166Q (c.497G>A), have been identified in individual(s) with features consistent with RUNX1 familial platelet disorder with associated myeloid malignancies (Romasko EJ et al. Am J Hematol, 2018 Jan;93:8-16; Ovsyannikova GS et al. Haematologica, 2022 Oct;107:2511-2516; Sheng XF et al. J Int Med Res, 2022 Sep;50:3000605221122741; Liu C et al. EJHaem, 2023 Feb;4:145-152; Gupta A et al. Indian J Hematol Blood Transfus, 2024 Jan;40:177-178). This variant is considered to be rare based on population cohorts in the Genome Aggregation Database (gnomAD). This amino acid position is highly conserved in available vertebrate species. In addition, this alteration is predicted to be deleterious by in silico analysis. Based on the majority of available evidence to date, this variant is likely to be pathogenic.

Blueprint Genetics
Classification: Likely pathogenic for RUNX1-related disorders. Last evaluated: 2022-09-26. Review status: criteria provided, single submitter. Criteria: ACMG Guidelines, 2015. Collection method: clinical testing. Allele origin: germline. Affected: yes. Observed: 3 variant alleles.